The following is an entry in ClinVar:

ClinVar aggregate classification (germline): Likely benign. Review status: criteria provided, multiple submitters, no conflicts (2 of 4 stars). 2 submissions from 2 submitters: Likely benign (2). Last evaluated 2026-02-01.

Allele frequency attached by ClinVar (database versions not stated): ExAC 0.00001; gnomAD exomes 0.00001; TOPMed 0.00001.
gnomAD v4.1: 9 of 1,522,328 alleles (0.00059%); highest among the groups gnomAD compares: East Asian, 0.013%; no homozygotes.

Submissions (2):

CeGaT Center for Human Genetics Tuebingen
Classification: Likely benign. Last evaluated: 2026-02-01. Review status: criteria provided, single submitter. Criteria: CeGaT Center For Human Genetics Tuebingen Variant Classification Criteria Version 2. Collection method: clinical testing. Allele origin: germline. Affected: yes. Observed: 1 variant allele.
Comment: RERE: BP4, BP7

Labcorp Genetics (formerly Invitae), Labcorp
Classification: Likely benign. Last evaluated: 2023-07-27. Review status: criteria provided, single submitter. Criteria: Invitae Variant Classification Sherloc (09022015). Collection method: clinical testing. Allele origin: germline.

NM_001042681.2(RERE):c.4419C>T (p.Gly1473=)

Gene: RERE (arginine-glutamic acid dipeptide repeats; minus strand). Cytogenetic location: 1p36.23.
Variant type: single nucleotide variant.
Coding change: c.4419C>T on transcript NM_001042681.2 (MANE Select); coding-DNA position 4419, C replaced by T.
Protein change: p.Gly1473=; no amino-acid change (glycine 1473 retained).
Molecular consequence: synonymous variant.
Genome position (GRCh38, 1-based): chr1:8,356,167, G>A on the plus strand (C>T on the coding strand, the complement: RERE is on the minus strand). VCF-style: chr1-8356167-G-A. GRCh37 (hg19) VCF-style: chr1-8416227-G-A.
Other names: c.2757C>T, p.Gly919= (NM_001042682.2); c.4419C>T, p.Gly1473= (NM_012102.4).
Identifiers: ClinVar variation 2971021 (VCV002971021.7), dbSNP rs770684746, ClinGen allele CA570797.